The following is an entry in ClinVar:

ClinVar aggregate classification (germline): Uncertain significance (1 of 4 stars; one submission).

Submission:

GeneDx
Classification: Uncertain significance. Last evaluated: 2024-11-27. Review status: criteria provided, single submitter. Criteria: GeneDx Variant Classification Process June 2021. Collection method: clinical testing. Allele origin: germline. Affected: yes.
Comment: Not observed at significant frequency in large population cohorts (gnomAD); In silico analysis indicates that this missense variant does not alter protein structure/function; Has not been previously published as pathogenic or benign to our knowledge

NM_032545.4(CFC1):c.575G>A (p.Arg192His)

Gene: CFC1 (cryptic, EGF-CFC family member 1; minus strand). Cytogenetic location: 2q21.1.
Variant type: single nucleotide variant.
Coding change: c.575G>A on transcript NM_032545.4 (MANE Select); coding-DNA position 575, G replaced by A.
Protein change: p.Arg192His; replaces arginine 192 with histidine.
Molecular consequence: missense variant.
Genome position (GRCh38, 1-based): chr2:130,592,974, C>T on the plus strand (G>A on the coding strand, the complement: CFC1 is on the minus strand). VCF-style: chr2-130592974-C-T. GRCh37 (hg19) VCF-style: chr2-131350547-C-T.
Other names: c.460G>A, p.Ala154Thr (NM_001270420.2); c.350G>A, p.Arg117His (NM_001270421.2); short protein forms A154T, R117H, R192H.
Identifiers: ClinVar variation 3900913 (VCV003900913.1).